The following is an entry in ClinVar:

NM_013275.6(ANKRD11):c.7090G>A (p.Ala2364Thr)

Gene: ANKRD11 (ankyrin repeat domain 11; minus strand). Cytogenetic location: 16q24.3.
Variant type: single nucleotide variant.
Coding change: c.7090G>A on transcript NM_013275.6 (MANE Select); coding-DNA position 7090, G replaced by A.
Protein change: p.Ala2364Thr; replaces alanine 2364 with threonine.
Molecular consequence: missense variant.
Genome position (GRCh38, 1-based): chr16:89,279,452, C>T on the plus strand (G>A on the coding strand, the complement: ANKRD11 is on the minus strand). VCF-style: chr16-89279452-C-T. GRCh37 (hg19) VCF-style: chr16-89345860-C-T.
Other names: c.7090G>A, p.Ala2364Thr (NM_001256182.2, NM_001256183.2); short protein forms A2364T.
Identifiers: ClinVar variation 588578 (VCV000588578.6), dbSNP rs999130123, ClinGen allele CA397149350.

ClinVar aggregate classification (germline): Conflicting classifications of pathogenicity. Review status: criteria provided, conflicting classifications (1 of 4 stars). 2 submissions from 2 submitters: Uncertain significance (1); Likely benign (1). Last evaluated 2025-11-05.

Conditions:
Inborn genetic diseases. Identifiers: MedGen C0950123, MeSH D030342.
KBG syndrome (KBGS). Also called: ANKRD11-Related KBG Syndrome. Identifiers: Orphanet 2332, MedGen C0220687, MONDO:0007846, OMIM 148050.

gnomAD v4.1: 1 of 1,482,524 alleles (0.000067%); highest among the groups gnomAD compares: South Asian, 0.0012%; no homozygotes.

Submissions (2):

Labcorp Genetics (formerly Invitae), Labcorp
Classification: Uncertain significance for KBG syndrome. Last evaluated: 2025-11-05. Review status: criteria provided, single submitter. Criteria: Invitae Variant Classification Sherloc (09022015). Collection method: clinical testing. Allele origin: germline.
Comment: This sequence change replaces alanine, which is neutral and non-polar, with threonine, which is neutral and polar, at codon 2364 of the ANKRD11 protein (p.Ala2364Thr). This variant is present in population databases (no rsID available, gnomAD 0.005%). This variant has not been reported in the literature in individuals affected with ANKRD11-related conditions. ClinVar contains an entry for this variant (Variation ID: 588578). Invitae Evidence Modeling of protein sequence and biophysical properties (such as structural, functional, and spatial information, amino acid conservation, physicochemical variation, residue mobility, and thermodynamic stability) indicates that this missense variant is not expected to disrupt ANKRD11 protein function with a negative predictive value of 95%. In summary, the available evidence is currently insufficient to determine the role of this variant in disease. Therefore, it has been classified as a Variant of Uncertain Significance.

Ambry Genetics
Classification: Likely benign for Inborn genetic diseases. Last evaluated: 2016-12-20. Review status: criteria provided, single submitter. Criteria: Ambry Variant Classification Scheme 2023. Collection method: clinical testing. Allele origin: germline.